The following is an entry in ClinVar:

NM_001376.5(DYNC1H1):c.8209_8210insT (p.Asp2737fs)

Gene: DYNC1H1 (dynein cytoplasmic 1 heavy chain 1; plus strand). Cytogenetic location: 14q32.31.
Variant type: Insertion.
Coding change: c.8209_8210insT on transcript NM_001376.5 (MANE Select); coding-DNA positions 8209 to 8210, T inserted.
Protein change: p.Asp2737fs; shifts the reading frame from aspartic acid 2737.
Molecular consequence: frameshift variant.
Genome position: GRCh38 VCF-style: chr14-102018482-G-GT. GRCh37 (hg19) VCF-style: chr14-102484819-G-GT.
Other names: short protein forms D2737fs.
Identifiers: ClinVar variation 2581519 (VCV002581519.1), dbSNP rs2503777289, ClinGen allele CA2582341770.

ClinVar aggregate classification (germline): Uncertain significance (1 of 4 stars; one submission).

Submission:

Women's Health and Genetics/Laboratory Corporation of America, LabCorp
Classification: Uncertain significance. Last evaluated: 2023-08-01. Review status: criteria provided, single submitter. Criteria: LabCorp Variant Classification Summary - May 2015. Collection method: clinical testing. Allele origin: germline.
Comment: Variant summary: DYNC1H1 c.8209_8210insT (p.Asp2737ValfsX62) results in a premature termination codon, predicted to cause a truncation of the encoded protein or absence of the protein due to nonsense mediated decay, however loss-of-function as the molecular mechanism of disease attributable to DYNC1H1 is not established. The variant was absent in 251040 control chromosomes (gnomAD). The available data on variant occurrences in the general population are insufficient to allow any conclusion about variant significance. To our knowledge, no occurrence of c.8209_8210insT in individuals affected with DYNC1H1-Related Disorders and no experimental evidence demonstrating its impact on protein function have been reported. No submitters have cited clinical-significance assessments for this variant to ClinVar after 2014. Based on the evidence outlined above, the variant was classified as uncertain significance.